The following is an entry in ClinVar:

NM_001164508.2(NEB):c.10382C>A (p.Thr3461Asn)

Gene: NEB (nebulin; minus strand). Cytogenetic location: 2q23.3.
Variant type: single nucleotide variant.
Coding change: c.10382C>A on transcript NM_001164508.2 (MANE Select); coding-DNA position 10382, C replaced by A.
Protein change: p.Thr3461Asn; replaces threonine 3461 with asparagine.
Molecular consequence: missense variant.
Genome position (GRCh38, 1-based): chr2:151,625,604, G>T on the plus strand (C>A on the coding strand, the complement: NEB is on the minus strand). VCF-style: chr2-151625604-G-T. GRCh37 (hg19) VCF-style: chr2-152482118-G-T.
Other names: c.10382C>A, p.Thr3461Asn (NM_001164507.2, NM_001271208.2); c.9653C>A, p.Thr3218Asn (NM_004543.5); c.9653C>A (NM_004543.4); short protein forms T3461N, T3218N.
Identifiers: ClinVar variation 960611 (VCV000960611.8), dbSNP rs1003683269, ClinGen allele CA57645794.

ClinVar aggregate classification (germline): Uncertain significance. Review status: criteria provided, multiple submitters, no conflicts (2 of 4 stars). 2 submissions from 2 submitters: Uncertain significance (2). Last evaluated 2025-07-03.

Conditions:
Inborn genetic diseases. Identifiers: MedGen C0950123, MeSH D030342.
Nemaline myopathy 2 (NEM2). Also called: Nemaline myopathy 2, autosomal recessive. Identifiers: MedGen C1850569, MONDO:0009725, OMIM 256030.

Allele frequency attached by ClinVar (database versions not stated): gnomAD 0.00001; TOPMed 0.00001.
gnomAD v4.1: 26 of 1,605,888 alleles (0.0016%); highest among the groups gnomAD compares: Non-Finnish European, 0.0018%; no homozygotes.

Submissions (2):

Ambry Genetics
Classification: Uncertain significance for Inborn genetic diseases. Last evaluated: 2025-07-03. Review status: criteria provided, single submitter. Criteria: Ambry Variant Classification Scheme 2023. Collection method: clinical testing. Allele origin: germline.

Labcorp Genetics (formerly Invitae), Labcorp
Classification: Uncertain significance for Nemaline myopathy 2. Last evaluated: 2021-08-24. Review status: criteria provided, single submitter. Criteria: Invitae Variant Classification Sherloc (09022015). Collection method: clinical testing. Allele origin: germline.
Comment: This sequence change replaces threonine with asparagine at codon 3461 of the NEB protein (p.Thr3461Asn). The threonine residue is moderately conserved and there is a small physicochemical difference between threonine and asparagine. This variant is not present in population databases (ExAC no frequency). This variant has not been reported in the literature in individuals affected with NEB-related conditions. Algorithms developed to predict the effect of missense changes on protein structure and function are either unavailable or do not agree on the potential impact of this missense change (SIFT: "Deleterious"; PolyPhen-2: "Not Available"; Align-GVGD: "Class C0"). In summary, the available evidence is currently insufficient to determine the role of this variant in disease. Therefore, it has been classified as a Variant of Uncertain Significance.